The following is an entry in ClinVar:

NM_001378454.1(ALMS1):c.3266C>G (p.Thr1089Arg)

Gene: ALMS1 (ALMS1 centrosome and basal body associated protein; plus strand). Cytogenetic location: 2p13.1.
Variant type: single nucleotide variant.
Coding change: c.3266C>G on transcript NM_001378454.1 (MANE Select); coding-DNA position 3266, C replaced by G.
Protein change: p.Thr1089Arg; replaces threonine 1089 with arginine.
Molecular consequence: missense variant.
Genome position (GRCh38, 1-based): chr2:73,449,793, C>G. VCF-style: chr2-73449793-C-G. GRCh37 (hg19) VCF-style: chr2-73676920-C-G.
Other names: c.3269C>G, p.Thr1090Arg (NM_015120.4); short protein forms T1090R, T1089R.
Identifiers: ClinVar variation 518084 (VCV000518084.17), dbSNP rs556855697, ClinGen allele CA1713491.

ClinVar aggregate classification (germline): Benign/Likely benign. Review status: criteria provided, multiple submitters, no conflicts (2 of 4 stars). 6 submissions from 6 submitters: Benign (2); Likely benign (4). Last evaluated 2026-02-01.

Conditions:
Cardiovascular phenotype. Identifiers: MedGen CN230736.
Alstrom syndrome (ALMS). Identifiers: Orphanet 64, MedGen C0268425, MONDO:0008763, OMIM 203800.

Allele frequency attached by ClinVar (database versions not stated): gnomAD 0.00001 and 0.00007; TOPMed 0.00003; ExAC 0.00042.
gnomAD v4.1: 238 of 1,613,926 alleles (0.015%); highest among the groups gnomAD compares: South Asian, 0.23%; 2 homozygotes.

Submissions (6):

Labcorp Genetics (formerly Invitae), Labcorp
Classification: Benign for Alstrom syndrome. Last evaluated: 2026-02-01. Review status: criteria provided, single submitter. Criteria: Invitae Variant Classification Sherloc (09022015). Collection method: clinical testing. Allele origin: germline.

Ambry Genetics
Classification: Benign for Cardiovascular phenotype. Last evaluated: 2024-11-05. Review status: criteria provided, single submitter. Criteria: Ambry Variant Classification Scheme 2023. Collection method: clinical testing. Allele origin: germline.

Blueprint Genetics
Classification: Likely benign. Last evaluated: 2024-01-10. Review status: criteria provided, single submitter. Criteria: ACMG Guidelines, 2015. Collection method: clinical testing. Allele origin: germline.

Women's Health and Genetics/Laboratory Corporation of America, LabCorp
Classification: Likely benign. Last evaluated: 2023-02-20. Review status: criteria provided, single submitter. Criteria: LabCorp Variant Classification Summary - May 2015. Collection method: clinical testing. Allele origin: germline.
Comment: Variant summary: ALMS1 c.3263C>G/p.Thr1088Arg (also known as c.3269C>G/p.Thr1090Arg in RefSeq) results in a non-conservative amino acid change located in the ALMS repeat (IPR040972) of the encoded protein sequence. Two of three in-silico tools predict a benign effect of the variant on protein function. The variant allele was found at a frequency of 0.00035 in 248652 control chromosomes, predominantly at a frequency of 0.0026 within the South Asian subpopulation in the gnomAD database, including 2 homozygotes. The observed variant frequency within South Asian control individuals in the gnomAD database is approximately 1.5-fold of the estimated maximal expected allele frequency for a pathogenic variant in ALMS1 causing Alstrom Syndrome With Dilated Cardiomyopathy phenotype (0.0018), strongly suggesting that the variant is a benign polymorphism found primarily in populations of South Asian origin. To our knowledge, no occurrence of c.3263C>G in individuals affected with Alstrom Syndrome With Dilated Cardiomyopathy and no experimental evidence demonstrating its impact on protein function have been reported. A co-occurrence with a pathogenic variant has been reported via internal testing (MYBPC3 c.2827C>T, p.Arg943X), providing supporting evidence for a benign role. Three clinical diagnostic laboratories have submitted clinical-significance assessments for this variant to ClinVar after 2014 and classified the variant as benign/likely benign. Based on the evidence outlined above, the variant was classified as likely benign.

Fulgent Genetics
Classification: Likely benign for Alstrom syndrome. Last evaluated: 2022-03-01. Review status: criteria provided, single submitter. Criteria: ACMG Guidelines, 2015. Collection method: clinical testing. Allele origin: unknown.

GeneDx
Classification: Likely benign. Last evaluated: 2020-10-14. Review status: criteria provided, single submitter. Criteria: GeneDx Variant Classification Process June 2021. Collection method: clinical testing. Allele origin: germline. Affected: yes.